The following is an entry in ClinVar:

ClinVar aggregate classification (germline): Likely pathogenic (1 of 4 stars; one submission).

Conditions:
Mitochondrial complex I deficiency. Also called: NADH:Q(1) OXIDOREDUCTASE DEFICIENCY. Identifiers: Orphanet 2609, MedGen C1838979, MeSH C537475, MONDO:0100133.

Submission:

Natera, Inc.
Classification: Likely pathogenic for Mitochondrial complex I deficiency. Last evaluated: 2025-01-08. Review status: criteria provided, single submitter. Criteria: Natera Variant Classification Schema (03/2026). Collection method: clinical testing. Allele origin: germline.
Comment: The c.222+2T>G variant in NDUFAF5 is a canonical splice donor site variant predicted to affect pre-mRNA splicing, which may result in an abnormal transcript and altered protein product. This variant is expected to result in nonsense mediated decay, truncation, or a dysfunctional protein product. This variant is rare in the general population with a frequency below the threshold expected for the associated phenotype(s). Given the available evidence, this variant is classified as Likely Pathogenic.

NM_024120.5(NDUFAF5):c.222+2T>G

Gene: NDUFAF5 (NADH:ubiquinone oxidoreductase complex assembly factor 5; plus strand). Cytogenetic location: 20p12.1.
Variant type: single nucleotide variant.
Coding change: c.222+2T>G on transcript NM_024120.5 (MANE Select); the canonical splice donor site of the intron after coding-DNA position 222, T replaced by G.
Molecular consequence: splice donor variant.
Genome position (GRCh38, 1-based): chr20:13,785,292, T>G. VCF-style: chr20-13785292-T-G. GRCh37 (hg19) VCF-style: chr20-13765938-T-G.
Other names: c.-474+2T>G (NM_001352407.2); c.-360+2T>G (NM_001352406.2); c.222+2T>G (NM_001039375.3, NM_001352408.2); c.-146+2T>G (NM_001352403.2).
Identifiers: ClinVar variation 4058400 (VCV004058400.2).